The following is an entry in ClinVar:

ClinVar aggregate classification (germline): Uncertain significance (1 of 4 stars; one submission).

Conditions:
Familial adenomatous polyposis 1 (FAP1). Also called: FAMILIAL ADENOMATOUS POLYPOSIS 1, ATTENUATED; POLYPOSIS, ADENOMATOUS INTESTINAL. Identifiers: MedGen C2713442, MONDO:0021056, OMIM 175100. Disease mechanism: loss of function.

Submission:

Labcorp Genetics (formerly Invitae), Labcorp
Classification: Uncertain significance for Familial adenomatous polyposis 1. Last evaluated: 2023-02-26. Review status: criteria provided, single submitter. Criteria: Invitae Variant Classification Sherloc (09022015). Collection method: clinical testing. Allele origin: germline.
Comment: Experimental studies and prediction algorithms are not available or were not evaluated, and the functional significance of this variant is currently unknown. In summary, the available evidence is currently insufficient to determine the role of this variant in disease. Therefore, it has been classified as a Variant of Uncertain Significance. This variant has not been reported in the literature in individuals affected with APC-related conditions. This variant is not present in population databases (gnomAD no frequency). This variant occurs in a non-coding region of the APC gene. It does not change the encoded amino acid sequence of the APC protein.

NC_000005.10:g.112707413A>C

Gene: APC (APC regulator of Wnt signaling pathway; plus strand). Cytogenetic location: 5q22.2.
Variant type: single nucleotide variant.
Genome position: GRCh38 VCF-style: chr5-112707413-A-C. GRCh37 (hg19) VCF-style: chr5-112043110-A-C.
Identifiers: ClinVar variation 2716133 (VCV002716133.3), dbSNP rs1345543059, ClinGen allele CA2697546382.